The following is an entry in ClinVar:

NM_003002.4(SDHD):c.302T>A (p.Leu101His)

Gene: SDHD (succinate dehydrogenase complex subunit D; plus strand). Cytogenetic location: 11q23.1.
Variant type: single nucleotide variant.
Coding change: c.302T>A on transcript NM_003002.4 (MANE Select); coding-DNA position 302, T replaced by A.
Protein change: p.Leu101His; replaces leucine 101 with histidine.
Molecular consequence: missense variant. On other transcripts: non-coding transcript variant (1), intron variant (1).
Genome position (GRCh38, 1-based): chr11:112,088,999, T>A. VCF-style: chr11-112088999-T-A. GRCh37 (hg19) VCF-style: chr11-111959723-T-A.
Other names: c.185T>A, p.Leu62His (NM_001276504.2); c.302T>A, p.Leu101His (NM_001276506.2); c.169+1026T>A (NM_001276503.2); short protein forms L101H, L62H.
Identifiers: ClinVar variation 1362035 (VCV001362035.8), dbSNP rs2135269810, ClinGen allele CA382617409.

ClinVar aggregate classification (germline): Uncertain significance (1 of 4 stars; one submission).

Conditions:
Pheochromocytoma. Also called: MAX-Related Hereditary Paraganglioma-Pheochromocytoma Syndrome. Identifiers: Orphanet 29072, MedGen C0031511, MONDO:0008233, OMIM 171300, HP:0002666.
Paragangliomas with sensorineural hearing loss. Identifiers: MedGen C1868633.
Carney-Stratakis syndrome. Also called: PARAGANGLIOMA AND GASTROINTESTINAL STROMAL TUMOR. Identifiers: Orphanet 97286, MedGen C1847319, MONDO:0011740, OMIM 606864.
Cowden syndrome 3 (CWS3). Identifiers: Orphanet 201, MedGen CN166604, MONDO:0014045.

Allele frequency attached by ClinVar (database versions not stated): gnomAD exomes below 0.00001.
gnomAD v4.1: 2 of 1,614,242 alleles (0.00012%); highest among the groups gnomAD compares: Non-Finnish European, 0.000085%; no homozygotes.

Submission:

Labcorp Genetics (formerly Invitae), Labcorp
Classification: Uncertain significance for Carney-Stratakis syndrome; Paragangliomas with sensorineural hearing loss; Pheochromocytoma; Cowden syndrome 3. Last evaluated: 2025-07-07. Review status: criteria provided, single submitter. Criteria: Invitae Variant Classification Sherloc (09022015). Collection method: clinical testing. Allele origin: germline.
Comment: This sequence change replaces leucine, which is neutral and non-polar, with histidine, which is basic and polar, at codon 101 of the SDHD protein (p.Leu101His). This variant is not present in population databases (gnomAD no frequency). This variant has not been reported in the literature in individuals affected with SDHD-related conditions. ClinVar contains an entry for this variant (Variation ID: 1362035). Invitae Evidence Modeling of protein sequence and biophysical properties (such as structural, functional, and spatial information, amino acid conservation, physicochemical variation, residue mobility, and thermodynamic stability) indicates that this missense variant is expected to disrupt SDHD protein function with a positive predictive value of 95%. In summary, the available evidence is currently insufficient to determine the role of this variant in disease. Therefore, it has been classified as a Variant of Uncertain Significance.